The following is an entry in ClinVar:

NM_032340.4(UQCC2):c.343T>C (p.Phe115Leu)

Gene: UQCC2 (ubiquinol-cytochrome c reductase complex assembly factor 2; minus strand). Cytogenetic location: 6p21.31.
Variant type: single nucleotide variant.
Coding change: c.343T>C on transcript NM_032340.4 (MANE Select); coding-DNA position 343, T replaced by C.
Protein change: p.Phe115Leu; replaces phenylalanine 115 with leucine.
Molecular consequence: missense variant.
Genome position (GRCh38, 1-based): chr6:33,697,691, A>G on the plus strand (T>C on the coding strand, the complement: UQCC2 is on the minus strand). VCF-style: chr6-33697691-A-G. GRCh37 (hg19) VCF-style: chr6-33665468-A-G.
Other names: short protein forms F115L.
Identifiers: ClinVar variation 3697461 (VCV003697461.2).

ClinVar aggregate classification (germline): Uncertain significance (1 of 4 stars; one submission).

Submission:

Labcorp Genetics (formerly Invitae), Labcorp
Classification: Uncertain significance. Last evaluated: 2024-11-28. Review status: criteria provided, single submitter. Criteria: Invitae Variant Classification Sherloc (09022015). Collection method: clinical testing. Allele origin: germline.
Comment: This sequence change replaces phenylalanine, which is neutral and non-polar, with leucine, which is neutral and non-polar, at codon 115 of the UQCC2 protein (p.Phe115Leu). This variant is not present in population databases (gnomAD no frequency). This variant has not been reported in the literature in individuals affected with UQCC2-related conditions. An algorithm developed to predict the effect of missense changes on protein structure and function outputs the following: PolyPhen-2: "Benign". The leucine amino acid residue is found in multiple mammalian species, which suggests that this missense change does not adversely affect protein function. In summary, the available evidence is currently insufficient to determine the role of this variant in disease. Therefore, it has been classified as a Variant of Uncertain Significance.